The following is an entry in ClinVar:

ClinVar aggregate classification (germline): Uncertain significance. Review status: criteria provided, multiple submitters, no conflicts (2 of 4 stars). 2 submissions from 2 submitters: Uncertain significance (2). Last evaluated 2025-03-31.

Conditions:
Hypertrophic cardiomyopathy 1 (CMH1). Also called: Familial hypertrophic cardiomyopathy 1; MYH7-Related Familial Hypertrophic Cardiomyopathy. Identifiers: MedGen C3495498, MONDO:0008647, OMIM 192600.

Submissions (2):

Ambry Genetics
Classification: Uncertain significance. Last evaluated: 2025-03-31. Review status: criteria provided, single submitter. Criteria: Ambry Variant Classification Scheme 2023. Collection method: clinical testing. Allele origin: germline.
Comment: The p.P69S variant (also known as c.205C>T), located in coding exon 2 of the MYLK2 gene, results from a C to T substitution at nucleotide position 205. The proline at codon 69 is replaced by serine, an amino acid with similar properties. This amino acid position is conserved. In addition, this alteration is predicted to be tolerated by in silico analysis. Based on the available evidence, the clinical significance of this variant remains unclear.

Labcorp Genetics (formerly Invitae), Labcorp
Classification: Uncertain significance for Hypertrophic cardiomyopathy 1. Last evaluated: 2023-12-12. Review status: criteria provided, single submitter. Criteria: Invitae Variant Classification Sherloc (09022015). Collection method: clinical testing. Allele origin: germline.
Comment: This sequence change replaces proline, which is neutral and non-polar, with serine, which is neutral and polar, at codon 69 of the MYLK2 protein (p.Pro69Ser). This variant is not present in population databases (gnomAD no frequency). This variant has not been reported in the literature in individuals affected with MYLK2-related conditions. Advanced modeling of protein sequence and biophysical properties (such as structural, functional, and spatial information, amino acid conservation, physicochemical variation, residue mobility, and thermodynamic stability) performed at Invitae indicates that this missense variant is not expected to disrupt MYLK2 protein function with a negative predictive value of 80%. In summary, the available evidence is currently insufficient to determine the role of this variant in disease. Therefore, it has been classified as a Variant of Uncertain Significance.

NM_033118.4(MYLK2):c.205C>T (p.Pro69Ser)

Gene: MYLK2 (myosin light chain kinase 2; plus strand). Cytogenetic location: 20q11.21.
Variant type: single nucleotide variant.
Coding change: c.205C>T on transcript NM_033118.4 (MANE Select); coding-DNA position 205, C replaced by T.
Protein change: p.Pro69Ser; replaces proline 69 with serine.
Molecular consequence: missense variant.
Genome position (GRCh38, 1-based): chr20:31,820,278, C>T. VCF-style: chr20-31820278-C-T. GRCh37 (hg19) VCF-style: chr20-30408081-C-T.
Other names: short protein forms P69S.
Identifiers: ClinVar variation 2969408 (VCV002969408.4), dbSNP rs886056576, ClinGen allele CA10649493.